The following is an entry in ClinVar:

NM_007294.4(BRCA1):c.3931_3934del (p.Asn1311fs)

Genes: BRCA1 (BRCA1 DNA repair associated; minus strand), LOC126862571 (BRD4-independent group 4 enhancer GRCh37_chr17:41243136-41244335; plus strand). Cytogenetic location: 17q21.31.
Variant type: Deletion.
Coding change: c.3931_3934del on transcript NM_007294.4 (MANE Select); coding-DNA positions 3931 to 3934, 4 bases deleted (AACA; older notation c.3931_3934delAACA).
Protein change: p.Asn1311fs; shifts the reading frame from asparagine 1311.
Molecular consequence: frameshift variant. On other transcripts: intron variant (135).
Genome position (GRCh38, 1-based): chr17:43,091,597-43,091,600, TGTT deleted on the plus strand (AACA on the coding strand, the reverse complement: BRCA1 is on the minus strand); deleting any 4 consecutive bases within chr17:43,091,597-43,091,603 gives the same sequence; the c. name uses the placement nearest the transcript's 3' end. VCF-style (leftmost placement, unchanged base first): chr17-43091596-GTGTT-G. GRCh37 (hg19) VCF-style: chr17-41243613-GTGTT-G.
Other names: 4050del4; c.3931_3934del, p.Asn1311fs (NM_001407623.1, NM_001407624.1, NM_001407625.1 and 30 more transcripts); c.3928_3931del, p.Asn1310fs (NM_001407627.1, NM_001407628.1, NM_001407629.1 and 22 more transcripts); c.3922_3925del, p.Asn1308fs (NM_001407646.1, NM_001407647.1); c.3808_3811del, p.Asn1270fs (NM_001407648.1, NM_001407664.1, NM_001407665.1 and 19 more transcripts); c.3805_3808del, p.Asn1269fs (NM_001407649.1, NM_001407670.1, NM_001407671.1 and 11 more transcripts); c.3853_3856del, p.Asn1285fs (NM_001407653.1, NM_001407654.1, NM_001407655.1 and 4 more transcripts); c.3850_3853del, p.Asn1284fs (NM_001407659.1, NM_001407660.1, NM_001407661.1 and 1 more transcripts); and 43 more; short protein forms N1311fs, N1264fs, N1199fs, N1263fs, N1269fs, N1284fs, N1183fs, N1200fs.
Identifiers: ClinVar variation 55054 (VCV000055054.16), dbSNP rs80357864, ClinGen allele CA002525.
Genomic context (GRCh38, chr17:43,091,596, plus strand): 5'-CCCTGGCTTTCAGACTGATGCCTCATTTGTTTGGAAGAACCAATCAAGAAAGGATCCTGG[GTGTT>G]TGTATTTGCAGTCAAGTCTTCCAATTCACTGCACTGTGAAGAAAACAAGCTAGCAGAACA-3'

ClinVar aggregate classification (germline): Pathogenic. Review status: reviewed by expert panel (3 of 4 stars). 9 submissions from 9 submitters: Pathogenic (1). 8 of the submissions do not count toward it. Last evaluated 2016-09-08.

Conditions:
Hereditary cancer-predisposing syndrome. Also called: Hereditary Cancer Syndrome; Hereditary neoplastic syndrome; Neoplastic Syndromes, Hereditary; Tumor predisposition. Identifiers: Orphanet 140162, MedGen C0027672, MeSH D009386, MONDO:0015356.
Breast-ovarian cancer, familial, susceptibility to, 1 (BROVCA1). Also called: BRCA1 Hereditary Breast and Ovarian Cancer; OVARIAN CANCER, SUSCEPTIBILITY TO. Identifiers: Orphanet 145, MedGen C2676676, MONDO:0011450, OMIM 604370. Disease mechanism: loss of function.
Hereditary breast ovarian cancer syndrome. Also called: BRCA1- and BRCA2-Associated Hereditary Breast and Ovarian Cancer; Hereditary breast and ovarian cancer syndrome; Hereditary breast and ovarian cancer syndrome (HBOC); Breast and ovarian cancer; Hereditary breast and/or ovarian cancer syndrome; Hereditary breast and ovarian cancer. Identifiers: Orphanet 145, MedGen C0677776, MeSH D061325, MONDO:0003582. Disease mechanism: loss of function.

Submissions (9):

Evidence-based Network for the Interpretation of Germline Mutant Alleles (ENIGMA)
Classification: Pathogenic for Breast-ovarian cancer, familial, susceptibility to, 1. Last evaluated: 2016-09-08. Review status: reviewed by expert panel. Criteria: ENIGMA BRCA1/2 Classification Criteria (2015). Collection method: curation. Allele origin: germline.
Comment: Variant allele predicted to encode a truncated non-functional protein.

Ambry Genetics
Classification: Pathogenic for Hereditary cancer-predisposing syndrome. Last evaluated: 2024-11-20. Review status: criteria provided, single submitter. Criteria: Ambry Variant Classification Scheme 2023. Collection method: clinical testing. Allele origin: germline. Not counted in ClinVar's aggregate classification.
Comment: The c.3931_3934delAACA pathogenic mutation, located in coding exon 9 of the BRCA1 gene, results from a deletion of 4 nucleotides at nucleotide positions 3931 to 3934, causing a translational frameshift with a predicted alternate stop codon (p.N1311Pfs*6). This variant has been reported in individuals with features consistent with BRCA1-related cancer predisposition (Lecarpentier J et al. Breast Cancer Res, 2012 Jul;14:R99; Shi T et al. Int J Cancer, 2017 May;140:2051-2059). This variant is considered to be rare based on population cohorts in the Genome Aggregation Database (gnomAD). This alteration is expected to result in loss of function by premature protein truncation or nonsense-mediated mRNA decay. As such, this alteration is interpreted as a disease-causing mutation.

Quest Diagnostics Nichols Institute San Juan Capistrano
Classification: Pathogenic. Last evaluated: 2023-07-06. Review status: criteria provided, single submitter. Criteria: Quest Diagnostics criteria. Collection method: clinical testing. Allele origin: unknown. Not counted in ClinVar's aggregate classification.
Comment: The BRCA1 c.3931_3934del (p.Asn1311Profs*6) variant alters the translational reading frame of the BRCA1 mRNA and causes the premature termination of BRCA1 protein synthesis. This variant has been reported in the published literature in an individual with ovarian cancer (PMID: 28176296 (2017)), and in families with suspected hereditary breast/ovarian cancer (PMIDs: 29446198 (2018), 22762150 (2012)). The frequency of this variant in the general population, 0.000004 (1/251220 chromosomes (Genome Aggregation Database)), is consistent with pathogenicity. Based on the available information, this variant is classified as pathogenic.

Labcorp Genetics (formerly Invitae), Labcorp
Classification: Pathogenic for Hereditary breast ovarian cancer syndrome. Last evaluated: 2022-10-11. Review status: criteria provided, single submitter. Criteria: Invitae Variant Classification Sherloc (09022015). Collection method: clinical testing. Allele origin: germline. Not counted in ClinVar's aggregate classification.
Comment: For these reasons, this variant has been classified as Pathogenic. ClinVar contains an entry for this variant (Variation ID: 55054). This premature translational stop signal has been observed in individual(s) with ovarian cancer (PMID: 28176296). This variant is present in population databases (rs80357864, gnomAD 0.003%). This sequence change creates a premature translational stop signal (p.Asn1311Profs*6) in the BRCA1 gene. It is expected to result in an absent or disrupted protein product. Loss-of-function variants in BRCA1 are known to be pathogenic (PMID: 20104584).

Color Diagnostics, LLC DBA Color Health
Classification: Pathogenic for Hereditary cancer-predisposing syndrome. Last evaluated: 2020-09-08. Review status: criteria provided, single submitter. Criteria: ACMG Guidelines, 2015. Collection method: clinical testing. Allele origin: germline. Not counted in ClinVar's aggregate classification.
Comment: This variant deletes 4 nucleotides in exon 10 of the BRCA1 gene, creating a frameshift and premature translation stop signal. This variant is expected to result in an absent or non-functional protein product. To our knowledge, this variant has not been reported in individuals affected with hereditary cancer in the literature. This variant has been identified in 1/251220 chromosomes in the general population by the Genome Aggregation Database (gnomAD). Loss of BRCA1 function is a known mechanism of disease. Based on the available evidence, this variant is classified as Pathogenic.

Consortium of Investigators of Modifiers of BRCA1/2 (CIMBA), c/o University of Cambridge
Classification: Pathogenic for Breast-ovarian cancer, familial, susceptibility to, 1. Last evaluated: 2015-10-02. Review status: criteria provided, single submitter. Criteria: CIMBA Mutation Classification guidelines May 2016. Collection method: clinical testing. Allele origin: germline. Not counted in ClinVar's aggregate classification.

Neuberg Centre For Genomic Medicine, NCGM
Classification: Pathogenic for Breast-ovarian cancer, familial, susceptibility to, 1. Review status: criteria provided, single submitter. Criteria: ACMG Guidelines, 2015. Collection method: clinical testing. Allele origin: germline. Inheritance: Autosomal dominant inheritance. Affected: yes. Not counted in ClinVar's aggregate classification.
Comment: The frameshift c.3931_3934del (p.Asn1311ProfsTer6) variant in BRCA1 gene has been reported to the ClinVar database as Pathogenic (multiple submissions), with a status of reviewed by expert panel. The p.Asn1311ProfsTer6 is reported with an allele frequency of 0.0004% in the gnomAD exomes database and is novel (not in any individuals) in 1000 Genomes database. This variant causes a frameshift starting with codon Asparagine 1311, changes this amino acid to Proline residue, and creates a premature Stop codon at position 6 of the new reading frame, denoted p.Asn1311ProfsTer6. This variant is predicted to cause loss of normal protein function through protein truncation. Loss of function variants have been previously reported to be disease causing. For these reasons, this variant has been classified as Pathogenic.

Research Molecular Genetics Laboratory, Women's College Hospital, University of Toronto
Classification: Pathogenic for Hereditary breast ovarian cancer syndrome. Last evaluated: 2014-01-31. Review status: no assertion criteria provided. Collection method: research. Allele origin: germline. Affected: yes. Study: The Canadian Open Genetics Repository (COGR). Not counted in ClinVar's aggregate classification.

Breast Cancer Information Core (BIC) (BRCA1)
Classification: Pathogenic for Breast-ovarian cancer, familial 1. Last evaluated: 1997-11-14. Review status: no assertion criteria provided. Collection method: clinical testing. Allele origin: germline. Affected: yes. Observed: 5 variant alleles. Not counted in ClinVar's aggregate classification.

Literature cited by the submitters: PubMed 22762150 (cited by Ambry Genetics and Quest Diagnostics Nichols Institute San Juan Capistrano); PubMed 28176296 (cited by 3 submitters); PubMed 31825140 (cited by Quest Diagnostics Nichols Institute San Juan Capistrano); PubMed 30702160 (cited by Quest Diagnostics Nichols Institute San Juan Capistrano); PubMed 29446198 (cited by Quest Diagnostics Nichols Institute San Juan Capistrano); PubMed 26295337 (cited by Quest Diagnostics Nichols Institute San Juan Capistrano); PubMed 20104584 (cited by Labcorp Genetics (formerly Invitae), Labcorp).